The following is an entry in ClinVar:

NM_014003.4(DHX38):c.907G>A (p.Gly303Arg)

Gene: DHX38 (DEAH-box helicase 38; plus strand). Cytogenetic location: 16q22.2.
Variant type: single nucleotide variant.
Coding change: c.907G>A on transcript NM_014003.4 (MANE Select); coding-DNA position 907, G replaced by A.
Protein change: p.Gly303Arg; replaces glycine 303 with arginine.
Molecular consequence: missense variant.
Genome position (GRCh38, 1-based): chr16:72,099,227, G>A. VCF-style: chr16-72099227-G-A. GRCh37 (hg19) VCF-style: chr16-72133126-G-A.
Other names: short protein forms G303R.
Identifiers: ClinVar variation 2099101 (VCV002099101.4), dbSNP rs2507089006, ClinGen allele CA396703754.
Genomic context (GRCh38, chr16:72,099,227, plus strand): 5'-CAGGGCATGGACTGACCTGCTTCCTGTGCTCCTCCAGGAAGACGTGAGGAGGGCGAAGAA[G>A]GAATTTCATTTGACACGGAGGAGGAGCGGCAGCAGTGGGAAGATGACCAGAGGGTAAAGT-3'
Protein context (NP_054722.2, residues 293-313): GRGRREEGEE[Gly303Arg]ISFDTEEERQ

ClinVar aggregate classification (germline): Uncertain significance (1 of 4 stars; one submission).

Allele frequency attached by ClinVar (database versions not stated): gnomAD exomes 0.00001.

Submission:

Labcorp Genetics (formerly Invitae), Labcorp
Classification: Uncertain significance. Last evaluated: 2022-02-19. Review status: criteria provided, single submitter. Criteria: Invitae Variant Classification Sherloc (09022015). Collection method: clinical testing. Allele origin: germline.
Comment: In summary, the available evidence is currently insufficient to determine the role of this variant in disease. Therefore, it has been classified as a Variant of Uncertain Significance. Algorithms developed to predict the effect of missense changes on protein structure and function are either unavailable or do not agree on the potential impact of this missense change (SIFT: "Deleterious"; PolyPhen-2: "Benign"; Align-GVGD: "Class C25"). This variant has not been reported in the literature in individuals affected with DHX38-related conditions. This variant is not present in population databases (gnomAD no frequency). This sequence change replaces glycine, which is neutral and non-polar, with arginine, which is basic and polar, at codon 303 of the DHX38 protein (p.Gly303Arg).